The following is an entry in ClinVar:

NM_001164277.2(SLC37A4):c.875G>C (p.Gly292Ala)

Gene: SLC37A4 (solute carrier family 37 member 4; minus strand). Cytogenetic location: 11q23.3.
Variant type: single nucleotide variant.
Coding change: c.875G>C on transcript NM_001164277.2 (MANE Select); coding-DNA position 875, G replaced by C.
Protein change: p.Gly292Ala; replaces glycine 292 with alanine.
Molecular consequence: missense variant.
Genome position (GRCh38, 1-based): chr11:119,026,076, C>G on the plus strand (G>C on the coding strand, the complement: SLC37A4 is on the minus strand). VCF-style: chr11-119026076-C-G. GRCh37 (hg19) VCF-style: chr11-118896786-C-G.
Other names: c.875G>C, p.Gly292Ala (NM_001164278.2, NM_001164280.2, NM_001467.6); c.656G>C, p.Gly219Ala (NM_001164279.2); short protein forms G219A, G292A.
Identifiers: ClinVar variation 3032086 (VCV003032086.3), dbSNP rs2497018106, ClinGen allele CA382898187.

ClinVar aggregate classification (germline): Uncertain significance. Review status: criteria provided, single submitter (1 of 4 stars). 2 submissions from 2 submitters: Uncertain significance (1). 1 of the submissions does not count toward it. Last evaluated 2025-08-06.

Conditions:
SLC37A4-related disorder. Also called: SLC37A4-related condition.
Inborn genetic diseases. Identifiers: MedGen C0950123, MeSH D030342.

Submissions (2):

Ambry Genetics
Classification: Uncertain significance for Inborn genetic diseases. Last evaluated: 2025-08-06. Review status: criteria provided, single submitter. Criteria: Ambry Variant Classification Scheme 2023. Collection method: clinical testing. Allele origin: germline.

PreventionGenetics, part of Exact Sciences
Classification: Uncertain significance for SLC37A4-related condition. Last evaluated: 2024-01-23. Review status: no assertion criteria provided. Collection method: clinical testing. Allele origin: germline. Not counted in ClinVar's aggregate classification.
Comment: The SLC37A4 c.875G>C variant is predicted to result in the amino acid substitution p.Gly292Ala. To our knowledge, this variant has not been reported in the literature or in a large population database, indicating this variant is rare. At this time, the clinical significance of this variant is uncertain due to the absence of conclusive functional and genetic evidence.